The following is an entry in ClinVar:

NM_003240.5(LEFTY2):c.275C>T (p.Ser92Leu)

Gene: LEFTY2 (left-right determination factor 2; minus strand). Cytogenetic location: 1q42.12.
Variant type: single nucleotide variant.
Coding change: c.275C>T on transcript NM_003240.5 (MANE Select); coding-DNA position 275, C replaced by T.
Protein change: p.Ser92Leu; replaces serine 92 with leucine.
Molecular consequence: missense variant.
Genome position (GRCh38, 1-based): chr1:225,939,978, G>A on the plus strand (C>T on the coding strand, the complement: LEFTY2 is on the minus strand). VCF-style: chr1-225939978-G-A. GRCh37 (hg19) VCF-style: chr1-226127678-G-A.
Other names: c.275C>T, p.Ser92Leu (NM_001172425.3); short protein forms S92L.
Identifiers: ClinVar variation 295974 (VCV000295974.9), dbSNP rs366439, ClinGen allele CA1420621.

ClinVar aggregate classification (germline): Conflicting classifications of pathogenicity. Review status: criteria provided, conflicting classifications (1 of 4 stars). 2 submissions from 2 submitters: Uncertain significance (1); Likely benign (1). Last evaluated 2025-12-30.

Conditions:
Left-right axis malformations. Identifiers: MedGen C1866091.

Allele frequency attached by ClinVar (database versions not stated): ESP Exome Variant Server 0.00024; TOPMed 0.00025; 1000 Genomes Project 0.00020; gnomAD exomes 0.00028; ExAC 0.00029; gnomAD 0.00051; 1000 Genomes Project 30x 0.00062.

Submissions (2):

Labcorp Genetics (formerly Invitae), Labcorp
Classification: Uncertain significance for Left-right axis malformations. Last evaluated: 2025-12-30. Review status: criteria provided, single submitter. Criteria: Invitae Variant Classification Sherloc (09022015). Collection method: clinical testing. Allele origin: germline.
Comment: This sequence change replaces serine, which is neutral and polar, with leucine, which is neutral and non-polar, at codon 92 of the LEFTY2 protein (p.Ser92Leu). This variant is present in population databases (rs366439, gnomAD 0.07%), and has an allele count higher than expected for a pathogenic variant. This variant has not been reported in the literature in individuals affected with LEFTY2-related conditions. ClinVar contains an entry for this variant (Variation ID: 295974). Invitae Evidence Modeling of protein sequence and biophysical properties (such as structural, functional, and spatial information, amino acid conservation, physicochemical variation, residue mobility, and thermodynamic stability) has been performed for this missense variant. However, the output from this modeling did not meet the statistical confidence thresholds required to predict the impact of this variant on LEFTY2 protein function. In summary, the available evidence is currently insufficient to determine the role of this variant in disease. Therefore, it has been classified as a Variant of Uncertain Significance.

Illumina Laboratory Services, Illumina
Classification: Likely benign for Left-right axis malformations. Last evaluated: 2018-01-12. Review status: criteria provided, single submitter. Criteria: ICSL Variant Classification Criteria 13 December 2019. Collection method: clinical testing. Allele origin: germline.
Comment: This variant was observed in the ICSL laboratory as part of a predisposition screen in an ostensibly healthy population. It had not been previously curated by ICSL or reported in the Human Gene Mutation Database (HGMD: prior to June 1st, 2018), and was therefore a candidate for classification through an automated scoring system. Utilizing variant allele frequency, disease prevalence and penetrance estimates, and inheritance mode, an automated score was calculated to assess if this variant is too frequent to cause the disease. Based on the score and internal cut-off values, a variant classified as likely benign is not then subjected to further curation. The score for this variant resulted in a classification of likely benign for this disease.